The following is an entry in ClinVar:

ClinVar aggregate classification (germline): Pathogenic (1 of 4 stars; one submission).

Conditions:
Aicardi-Goutieres syndrome 5. Identifiers: Orphanet 51, MedGen C2749659, MONDO:0013059, OMIM 612952.

Submission:

Labcorp Genetics (formerly Invitae), Labcorp
Classification: Pathogenic for Aicardi Goutieres syndrome 5. Last evaluated: 2019-10-07. Review status: criteria provided, single submitter. Criteria: Invitae Variant Classification Sherloc (09022015). Collection method: clinical testing. Allele origin: germline.
Comment: This variant is a gross deletion of the genomic region encompassing exons 1-2 of the SAMHD1 gene, which includes the initiator codon. The 5' end of this event is unknown as it extends beyond the assayed region for this gene and therefore may encompass additional genes. The 3' boundary is likely confined to intron 2 of the SAMHD1 gene. This is expected to result in an absent or disrupted protein product. This variant has not been reported in the literature in individuals with SAMHD1-related conditions. Loss-of-function variants in SAMHD1 are known to be pathogenic (PMID: 19525956, 22461318). For these reasons, this variant has been classified as Pathogenic.

NC_000020.11:g.(?_36946728)_(36951653_?)del

Gene: SAMHD1 (SAM and HD domain containing deoxynucleoside triphosphate triphosphohydrolase 1; minus strand). Cytogenetic location: 20q11.23.
Variant type: Deletion.
Identifiers: ClinVar variation 830998 (VCV000830998.1).